The following is an entry in ClinVar:

ClinVar aggregate classification (germline): Pathogenic/Likely pathogenic. Review status: criteria provided, multiple submitters, no conflicts (2 of 4 stars). 2 submissions from 2 submitters: Pathogenic (1); Likely pathogenic (1). Last evaluated 2024-01-10.

Conditions:
Congenital heart defects and skeletal malformations syndrome. Identifiers: Orphanet 643503, MedGen C4539857, MONDO:0060532, OMIM 617602.

Submissions (2):

ARUP Laboratories, Molecular Genetics and Genomics, ARUP Laboratories
Classification: Likely pathogenic. Last evaluated: 2024-01-10. Review status: criteria provided, single submitter. Criteria: ARUP Molecular Germline Variant Investigation Process 2024. Collection method: clinical testing. Allele origin: germline.
Comment: The ABL1 c.1573G>A; p.Val525Met variant (rs1831432715, ClinVar Variation ID: 929419) is reported de novo in an individual with delayed motor milestones, dyslexia, dysmorphic facial features including a long and narrow face, blepharophimosis, low-set ears, a narrow elongated nose, short philtrum, and small mouth (Chen 2020). This variant is absent from the Genome Aggregation Database (v2.1.1), indicating it is not a common polymorphism. Computational analyses are uncertain whether this variant is neutral or deleterious (REVEL: 0.41). Functional analysis of the variant protein shows increased ABL1 kinase activity (Chen 2020). Based on available information, this variant is considered to be likely pathogenic. References: Chen CA et al. The expanding clinical phenotype of germline ABL1-associated congenital heart defects and skeletal malformations syndrome. Hum Mutat. 2020 Oct;41(10):1738-1744. PMID: 32643838.

AiLife Diagnostics
Classification: Pathogenic for Congenital heart defects and skeletal malformations syndrome. Last evaluated: 2020-05-20. Review status: criteria provided, single submitter. Criteria: ACMG Guidelines, 2015. Collection method: research. Allele origin: germline. Inheritance: Autosomal dominant inheritance. Affected: yes. Observed: 1 heterozygote.

NM_005157.6(ABL1):c.1516G>A (p.Val506Met)

Gene: ABL1 (ABL proto-oncogene 1, non-receptor tyrosine kinase; plus strand). Cytogenetic location: 9q34.12.
Variant type: single nucleotide variant.
Coding change: c.1516G>A on transcript NM_005157.6 (MANE Select); coding-DNA position 1516, G replaced by A.
Protein change: p.Val506Met; replaces valine 506 with methionine.
Molecular consequence: missense variant.
Genome position (GRCh38, 1-based): chr9:130,880,502, G>A. VCF-style: chr9-130880502-G-A. GRCh37 (hg19) VCF-style: chr9-133755889-G-A.
Other names: c.1573G>A, p.Val525Met (NM_007313.3); short protein forms V506M, V525M.
Identifiers: ClinVar variation 929419 (VCV000929419.6), dbSNP rs1831432715, ClinGen allele CA375251754.
Genomic context (GRCh38, chr9:130,880,502, plus strand): 5'-GCCAACACCAGTACTGATGGCTGCTGGATTTTTGTTTCTGTCCCTGTATGATTCTTAGAA[G>A]TGGAAAAGGAGCTGGGGAAACAAGGCGTCCGTGGGGCTGTGAGTACCTTGCTGCAGGCCC-3'
Protein context (NP_005148.2, residues 496-516): MFQESSISDE[Val506Met]EKELGKQGVR